The following is an entry in ClinVar:

ClinVar aggregate classification (germline): Uncertain significance (1 of 4 stars; one submission).

Conditions:
Combined immunodeficiency due to DOCK8 deficiency (HIES2). Also called: HIES autosomal recessive; HYPER-IgE RECURRENT INFECTION SYNDROME 2, AUTOSOMAL RECESSIVE; Hyper-IgE recurrent infection syndrome, autosomal recessive; HYPER-IgE SYNDROME 2, AUTOSOMAL RECESSIVE, WITH RECURRENT INFECTIONS; DOCK8 Deficiency. Identifiers: Orphanet 217390, MedGen C4722305, MONDO:0009478, OMIM 243700.

Submission:

Labcorp Genetics (formerly Invitae), Labcorp
Classification: Uncertain significance for Combined immunodeficiency due to DOCK8 deficiency. Last evaluated: 2025-06-24. Review status: criteria provided, single submitter. Criteria: Invitae Variant Classification Sherloc (09022015). Collection method: clinical testing. Allele origin: germline.
Comment: This sequence change falls in intron 22 of the DOCK8 gene. It does not directly change the encoded amino acid sequence of the DOCK8 protein. It affects a nucleotide within the consensus splice site. This variant is not present in population databases (gnomAD no frequency). This variant has not been reported in the literature in individuals affected with DOCK8-related conditions. Variants that disrupt the consensus splice site are a relatively common cause of aberrant splicing (PMID: 17576681, 9536098). Algorithms developed to predict the effect of sequence changes on RNA splicing suggest that this variant is not likely to affect RNA splicing. In summary, the available evidence is currently insufficient to determine the role of this variant in disease. Therefore, it has been classified as a Variant of Uncertain Significance.

Literature cited by the submitters: PubMed 17576681; PubMed 9536098.

NM_203447.4(DOCK8):c.2779-3T>C

Gene: DOCK8 (dedicator of cytokinesis 8; plus strand). Cytogenetic location: 9p24.3.
Variant type: single nucleotide variant.
Coding change: c.2779-3T>C on transcript NM_203447.4 (MANE Select); 3 bases into the intron before coding-DNA position 2779, T replaced by C.
Molecular consequence: intron variant.
Genome position (GRCh38, 1-based): chr9:386,328, T>C. VCF-style: chr9-386328-T-C. GRCh37 (hg19) VCF-style: chr9-386328-T-C.
Other names: c.2575-3T>C (NM_001193536.2); c.2574+3643T>C (NM_001190458.2).
Identifiers: ClinVar variation 4802959 (VCV004802959.1).